The following is an entry in ClinVar:

NM_006593.4(TBR1):c.1191-4G>A

Gene: TBR1 (T-box brain transcription factor 1; plus strand). Cytogenetic location: 2q24.2.
Variant type: single nucleotide variant.
Coding change: c.1191-4G>A on transcript NM_006593.4 (MANE Select); 4 bases into the intron before coding-DNA position 1191, G replaced by A.
Molecular consequence: intron variant.
Genome position (GRCh38, 1-based): chr2:161,423,365, G>A. VCF-style: chr2-161423365-G-A. GRCh37 (hg19) VCF-style: chr2-162279876-G-A.
Identifiers: ClinVar variation 589222 (VCV000589222.5), dbSNP rs755526423, ClinGen allele CA1930933.

ClinVar aggregate classification (germline): Uncertain significance (1 of 4 stars; one submission).

Conditions:
Inborn genetic diseases. Identifiers: MedGen C0950123, MeSH D030342.

Allele frequency attached by ClinVar (database versions not stated): TOPMed below 0.00001; ExAC 0.00001; gnomAD exomes 0.00001 and 0.00004.

Submission:

Ambry Genetics
Classification: Uncertain significance for Inborn genetic diseases. Last evaluated: 2017-06-12. Review status: criteria provided, single submitter. Criteria: Ambry Variant Classification Scheme 2023. Collection method: clinical testing. Allele origin: germline.
Comment: The c.1191-4G>A intronic variant results from a G to A substitution 4 nucleotides upstream from coding exon 6 in the TBR1 gene. This nucleotide position is not well conserved in available vertebrate species. Using the BDGP and ESEfinder splice site prediction tools, this alteration is not predicted to have any significant effect on this splice acceptor site; however, direct evidence is unavailable. Since supporting evidence is limited at this time, the clinical significance of this alteration remains unclear.